The following is an entry in ClinVar:

NM_001377.3(DYNC2H1):c.8361A>C (p.Ser2787=)

Gene: DYNC2H1 (dynein cytoplasmic 2 heavy chain 1; plus strand). Cytogenetic location: 11q22.3.
Variant type: single nucleotide variant.
Coding change: c.8361A>C on transcript NM_001377.3 (MANE Select); coding-DNA position 8361, A replaced by C.
Protein change: p.Ser2787=; no amino-acid change (serine 2787 retained).
Molecular consequence: synonymous variant.
Genome position (GRCh38, 1-based): chr11:103,204,871, A>C. VCF-style: chr11-103204871-A-C. GRCh37 (hg19) VCF-style: chr11-103075600-A-C.
Other names: c.8361A>C, p.Ser2787= (NM_001080463.2).
Identifiers: ClinVar variation 696537 (VCV000696537.19), dbSNP rs768132660, ClinGen allele CA6254447.

ClinVar aggregate classification (germline): Likely benign. Review status: criteria provided, multiple submitters, no conflicts (2 of 4 stars). 4 submissions from 4 submitters: Likely benign (3). 1 of the submissions does not count toward it. Last evaluated 2026-05-01.

Conditions:
Asphyxiating thoracic dystrophy 3. Also called: SHORT-RIB THORACIC DYSPLASIA 3 WITH OR WITHOUT POLYDACTYLY; POLYDACTYLY WITH NEONATAL CHONDRODYSTROPHY, TYPE I; SHORT-RIB THORACIC DYSPLASIA 3/6 WITH POLYDACTYLY, DIGENIC; Short rib polydactyly syndrome 2B; Saldino-Noonan Syndrome. Identifiers: Orphanet 474, Orphanet 93269, Orphanet 93270, Orphanet 93271, MedGen C0036069, MONDO:0013127, OMIM 613091.
Jeune thoracic dystrophy. Also called: Jeune syndrome; Infantile thoracic dystrophy; Thoracic pelvic phalangeal dystrophy; Jeune's syndrome; Chondroectodermal dysplasia-like syndrome; Short-rib thoracic dysplasia. Identifiers: Orphanet 474, MedGen C0265275, MONDO:0018770.
DYNC2H1-related disorder. Also called: DYNC2H1-related condition; DYNC2H1-related disorders. Identifiers: MedGen CN378770.

Allele frequency attached by ClinVar (database versions not stated): gnomAD 0.00001; TOPMed 0.00006; gnomAD exomes 0.00009 and 0.00020; ExAC 0.00023.
gnomAD v4.1: 50 of 1,590,354 alleles (0.0031%); highest among the groups gnomAD compares: Admixed American, 0.088%; no homozygotes.

Submissions (4):

CeGaT Center for Human Genetics Tuebingen
Classification: Likely benign. Last evaluated: 2026-05-01. Review status: criteria provided, single submitter. Criteria: CeGaT Center For Human Genetics Tuebingen Variant Classification Criteria Version 2. Collection method: clinical testing. Allele origin: germline. Affected: yes. Observed: 1 variant allele.
Comment: DYNC2H1: BP4, BP7

Labcorp Genetics (formerly Invitae), Labcorp
Classification: Likely benign for Jeune thoracic dystrophy. Last evaluated: 2025-12-28. Review status: criteria provided, single submitter. Criteria: Invitae Variant Classification Sherloc (09022015). Collection method: clinical testing. Allele origin: germline.

ARUP Laboratories, Molecular Genetics and Genomics, ARUP Laboratories
Classification: Likely benign for Asphyxiating thoracic dystrophy 3. Last evaluated: 2019-11-11. Review status: criteria provided, single submitter. Criteria: ARUP Molecular Germline Variant Investigation Process. Collection method: clinical testing. Allele origin: germline.

PreventionGenetics, part of Exact Sciences
Classification: Likely benign for DYNC2H1-related condition. Last evaluated: 2020-09-10. Review status: no assertion criteria provided. Collection method: clinical testing. Allele origin: germline. Not counted in ClinVar's aggregate classification.
Comment: This variant is classified as likely benign based on ACMG/AMP sequence variant interpretation guidelines (Richards et al. 2015 PMID: 25741868, with internal and published modifications).